The following is an entry in ClinVar:

NM_005477.3(HCN4):c.3575C>T (p.Pro1192Leu)

Gene: HCN4 (hyperpolarization activated cyclic nucleotide gated potassium channel 4; minus strand). Cytogenetic location: 15q24.1.
Variant type: single nucleotide variant.
Coding change: c.3575C>T on transcript NM_005477.3 (MANE Select); coding-DNA position 3575, C replaced by T.
Protein change: p.Pro1192Leu; replaces proline 1192 with leucine.
Molecular consequence: missense variant.
Genome position (GRCh38, 1-based): chr15:73,322,518, G>A on the plus strand (C>T on the coding strand, the complement: HCN4 is on the minus strand). VCF-style: chr15-73322518-G-A. GRCh37 (hg19) VCF-style: chr15-73614859-G-A.
Other names: short protein forms P1192L.
Identifiers: ClinVar variation 579946 (VCV000579946.8), dbSNP rs774400171, ClinGen allele CA7648802.

ClinVar aggregate classification (germline): Uncertain significance. Review status: criteria provided, multiple submitters, no conflicts (2 of 4 stars). 2 submissions from 2 submitters: Uncertain significance (2). Last evaluated 2026-01-12.

Conditions:
Cardiovascular phenotype. Identifiers: MedGen CN230736.
Brugada syndrome 8 (BRGDA8). Identifiers: Orphanet 130, MedGen C2751083, MONDO:0013148, OMIM 613123.

Allele frequency attached by ClinVar (database versions not stated): gnomAD exomes below 0.00001; ExAC 0.00001.
gnomAD v4.1: 1 of 1,602,990 alleles (0.000062%); highest among the groups gnomAD compares: Non-Finnish European, 0.000085%; no homozygotes.

Submissions (2):

Labcorp Genetics (formerly Invitae), Labcorp
Classification: Uncertain significance for Brugada syndrome 8. Last evaluated: 2026-01-12. Review status: criteria provided, single submitter. Criteria: Invitae Variant Classification Sherloc (09022015). Collection method: clinical testing. Allele origin: germline.
Comment: This sequence change replaces proline, which is neutral and non-polar, with leucine, which is neutral and non-polar, at codon 1192 of the HCN4 protein (p.Pro1192Leu). This variant is present in population databases (rs774400171, gnomAD 0.001%). This variant has not been reported in the literature in individuals affected with HCN4-related conditions. ClinVar contains an entry for this variant (Variation ID: 579946). Invitae Evidence Modeling of protein sequence and biophysical properties (such as structural, functional, and spatial information, amino acid conservation, physicochemical variation, residue mobility, and thermodynamic stability) indicates that this missense variant is not expected to disrupt HCN4 protein function with a negative predictive value of 95%. In summary, the available evidence is currently insufficient to determine the role of this variant in disease. Therefore, it has been classified as a Variant of Uncertain Significance.

Ambry Genetics
Classification: Uncertain significance for Cardiovascular phenotype. Last evaluated: 2025-08-03. Review status: criteria provided, single submitter. Criteria: Ambry Variant Classification Scheme 2023. Collection method: clinical testing. Allele origin: germline.
Comment: The p.P1192L variant (also known as c.3575C>T), located in coding exon 8 of the HCN4 gene, results from a C to T substitution at nucleotide position 3575. The proline at codon 1192 is replaced by leucine, an amino acid with similar properties. This amino acid position is conserved. In addition, this alteration is predicted to be tolerated by in silico analysis. Based on the available evidence, the clinical significance of this variant remains unclear.